The following is an entry in ClinVar:

ClinVar aggregate classification (germline): Likely benign (1 of 4 stars; one submission).

Conditions:
PTHLH-related disorder. Also called: PTHLH-related condition.

Submission:

PreventionGenetics, part of Exact Sciences
Classification: Likely benign for PTHLH-related condition. Last evaluated: 2024-11-10. Review status: criteria provided, single submitter. Criteria: ACMG Guidelines, 2015. Collection method: clinical testing. Allele origin: germline.
Comment: This variant is classified as likely benign based on ACMG/AMP sequence variant interpretation guidelines (Richards et al. 2015 PMID: 25741868, with internal and published modifications).

NM_198965.2(PTHLH):c.280C>A (p.Arg94=)

Gene: PTHLH (parathyroid hormone like hormone; minus strand). Cytogenetic location: 12p11.22.
Variant type: single nucleotide variant.
Coding change: c.280C>A on transcript NM_198965.2 (MANE Select); coding-DNA position 280, C replaced by A.
Protein change: p.Arg94=; no amino-acid change (arginine 94 retained).
Molecular consequence: synonymous variant.
Genome position (GRCh38, 1-based): chr12:27,963,592, G>T on the plus strand (C>A on the coding strand, the complement: PTHLH is on the minus strand). VCF-style: chr12-27963592-G-T. GRCh37 (hg19) VCF-style: chr12-28116525-G-T.
Other names: c.280C>A, p.Arg94= (NM_002820.3, NM_198964.2, NM_198966.2).
Identifiers: ClinVar variation 4977694 (VCV004977694.1).